The following is an entry in ClinVar:

ClinVar aggregate classification (germline): Likely benign. Review status: criteria provided, multiple submitters, no conflicts (2 of 4 stars). 2 submissions from 2 submitters: Likely benign (2). Last evaluated 2026-01-12.

Conditions:
Neurodevelopmental disorder with or without hyperkinetic movements and seizures, autosomal dominant. Also called: Intellectual disability, autosomal dominant 8. Identifiers: MedGen C3280282, MONDO:0013655, OMIM 614254.

gnomAD v4.1: 5 of 1,613,066 alleles (0.00031%); highest among the groups gnomAD compares: Non-Finnish European, 0.00042%; no homozygotes.

Submissions (2):

Labcorp Genetics (formerly Invitae), Labcorp
Classification: Likely benign for Neurodevelopmental disorder with or without hyperkinetic movements and seizures, autosomal dominant. Last evaluated: 2026-01-12. Review status: criteria provided, single submitter. Criteria: Invitae Variant Classification Sherloc (09022015). Collection method: clinical testing. Allele origin: germline.

CeGaT Center for Human Genetics Tuebingen
Classification: Likely benign. Last evaluated: 2022-09-01. Review status: criteria provided, single submitter. Criteria: CeGaT Center For Human Genetics Tuebingen Variant Classification Criteria Version 2. Collection method: clinical testing. Allele origin: germline. Affected: yes. Observed: 1 variant allele.
Comment: GRIN1: PM2:Supporting, BP4, BP7

NM_007327.4(GRIN1):c.2533C>A (p.Arg845=)

Gene: GRIN1 (glutamate ionotropic receptor NMDA type subunit 1; plus strand). Cytogenetic location: 9q34.3.
Variant type: single nucleotide variant.
Coding change: c.2533C>A on transcript NM_007327.4 (MANE Select); coding-DNA position 2533, C replaced by A.
Protein change: p.Arg845=; no amino-acid change (arginine 845 retained).
Molecular consequence: synonymous variant.
Genome position (GRCh38, 1-based): chr9:137,163,848, C>A. VCF-style: chr9-137163848-C-A. GRCh37 (hg19) VCF-style: chr9-140058300-C-A.
Other names: c.2533C>A, p.Arg845= (NM_000832.7, NM_021569.4); c.2596C>A, p.Arg866= (NM_001185090.2, NM_001185091.2).
Identifiers: ClinVar variation 1974219 (VCV001974219.29), dbSNP rs2538649862, ClinGen allele CA467777739.